The following is an entry in ClinVar:

ClinVar aggregate classification (germline): Conflicting classifications of pathogenicity. Review status: criteria provided, conflicting classifications (1 of 4 stars). 5 submissions from 5 submitters: Likely pathogenic (2); Uncertain significance (3). Last evaluated 2025-12-02.

Conditions:
Late-infantile neuronal ceroid lipofuscinosis. Also called: Jansky-Bielschowsky disease. Identifiers: MedGen C0022340, MONDO:0015674.
Neuronal ceroid lipofuscinosis 7 (CLN7). Also called: MFSD8-Related Neuronal Ceroid-Lipofuscinosis. Identifiers: Orphanet 168491, Orphanet 228366, MedGen C1838571, MONDO:0012588, OMIM 610951.

Allele frequency attached by ClinVar (database versions not stated): ExAC 0.00001; gnomAD 0.00001; gnomAD exomes 0.00001 and 0.00002; TOPMed 0.00002.
gnomAD v4.1: 17 of 1,605,388 alleles (0.0011%); highest among the groups gnomAD compares: Admixed American, 0.0033%; no homozygotes.

Submissions (5):

Natera, Inc.
Classification: Likely pathogenic for Late-infantile neuronal ceroid lipofuscinosis. Last evaluated: 2025-12-02. Review status: criteria provided, single submitter. Criteria: Natera Variant Classification Schema (03/2026). Collection method: clinical testing. Allele origin: germline.
Comment: The c.863+4A>G variant in MFSD8 is an intronic variant located outside the canonical splice sites. This variant is rare in the general population with a frequency below the threshold expected for the associated phenotype(s). This variant has been observed in one or more individuals affected with the associated recessive disease, as either homozygous or compound heterozygous with a second variant (PMID: 40327886, 31741823). Functional studies show that this variant may disrupt protein function (PMID: 40327886). Computational prediction algorithms indicate this variant is likely to affect gene or protein function. Given the available evidence, this variant is classified as Likely Pathogenic.

De Paul lab, Instituto de Investigacion En Ciencias de La Salud , Consejo Nacional de Investigaciones Cientificas y Tecnicas
Classification: Likely pathogenic for Neuronal ceroid lipofuscinosis 7. Last evaluated: 2024-08-01. Review status: criteria provided, single submitter. Criteria: ACMG Guidelines, 2015. Collection method: clinical testing, in vitro. Allele origin: inherited, not applicable. Inheritance: Autosomal recessive inheritance. Affected: yes. Observed: 2 variant alleles, 1 compound heterozygote, 1 homozygote. Functional consequence: sequence_variant_affecting_splicing.

Blueprint Genetics
Classification: Uncertain significance. Last evaluated: 2023-09-05. Review status: criteria provided, single submitter. Criteria: ACMG Guidelines, 2015. Collection method: clinical testing. Allele origin: germline.

Labcorp Genetics (formerly Invitae), Labcorp
Classification: Uncertain significance for Neuronal ceroid lipofuscinosis 7. Last evaluated: 2022-09-01. Review status: criteria provided, single submitter. Criteria: Invitae Variant Classification Sherloc (09022015). Collection method: clinical testing. Allele origin: germline.
Comment: This sequence change falls in intron 9 of the MFSD8 gene. It does not directly change the encoded amino acid sequence of the MFSD8 protein. It affects a nucleotide within the consensus splice site. This variant is present in population databases (rs752035164, gnomAD 0.004%). This variant has been observed in individuals with neuronal ceroid lipofuscinosis (PMID: 31741823, 33084218). ClinVar contains an entry for this variant (Variation ID: 199189). Variants that disrupt the consensus splice site are a relatively common cause of aberrant splicing (PMID: 17576681, 9536098). Algorithms developed to predict the effect of sequence changes on RNA splicing suggest that this variant may disrupt the consensus splice site. In summary, the available evidence is currently insufficient to determine the role of this variant in disease. Therefore, it has been classified as a Variant of Uncertain Significance.

Eurofins Ntd Llc (ga)
Classification: Uncertain significance. Last evaluated: 2014-11-11. Review status: criteria provided, single submitter. Criteria: EGL Classification Definitions 2015. Collection method: clinical testing. Allele origin: germline. Observed: 1 variant allele, 1 heterozygote.

Literature cited by the submitters: PubMed 40327886 (cited by Natera, Inc.); PubMed 31741823 (cited by Natera, Inc. and Labcorp Genetics (formerly Invitae), Labcorp); PubMed 33084218 (cited by Labcorp Genetics (formerly Invitae), Labcorp); PubMed 17576681 (cited by Labcorp Genetics (formerly Invitae), Labcorp); PubMed 9536098 (cited by Labcorp Genetics (formerly Invitae), Labcorp).

NM_001371596.2(MFSD8):c.863+4A>G

Gene: MFSD8 (major facilitator superfamily domain containing 8; minus strand). Cytogenetic location: 4q28.2.
Variant type: single nucleotide variant.
Coding change: c.863+4A>G on transcript NM_001371596.2 (MANE Select); 4 bases into the intron after coding-DNA position 863, A replaced by G.
Molecular consequence: intron variant.
Genome position (GRCh38, 1-based): chr4:127,932,981, T>C on the plus strand (A>G on the coding strand, the complement: MFSD8 is on the minus strand). VCF-style: chr4-127932981-T-C. GRCh37 (hg19) VCF-style: chr4-128854136-T-C.
Other names: c.863+4A>G (NM_152778.2, NM_152778.4, NM_001371591.2); c.581+4A>G (NM_001371595.1); c.413+4A>G (NM_001410765.1); c.728+4A>G (NM_001371590.2); c.548+4A>G (NM_001363521.3); c.749+4A>G (NM_001410766.1, NM_001371593.2); c.662+4A>G (NM_001363520.3); c.716+4A>G (NM_001371594.2); and 1 more.
Identifiers: ClinVar variation 199189 (VCV000199189.12), dbSNP rs752035164, ClinGen allele CA248270.
Genomic context (GRCh38, chr4:127,932,981, plus strand): 5'-CATTGCATTAAGAAATAAAGGTTAAAACATAATCTGATTCAGATGAAGATGGAATAAAAC[T>C]TACGTTTCAAAAAGGGCAAAGATAAATAGAGTCACAAAAAACAGAACATTGATGGCCACA-3'